The following is an entry in ClinVar:

ClinVar aggregate classification (germline): Uncertain significance. Review status: criteria provided, multiple submitters, no conflicts (2 of 4 stars). 3 submissions from 3 submitters: Uncertain significance (3). Last evaluated 2025-07-02.

Conditions:
Global developmental delay - lung cysts - overgrowth - Wilms tumor syndrome. Also called: GLOW Syndrome; GLOBAL DEVELOPMENTAL DELAY, LUNG CYSTS, OVERGROWTH, AND WILMS TUMOR. Identifiers: Orphanet 404476, MedGen C4748924, MONDO:0018445, OMIM 618272.
DICER1-related tumor predisposition. Also called: DICER1-related pleuropulmonary blastoma cancer predisposition syndrome; DICER1 syndrome. Identifiers: Orphanet 284343, MedGen C3839822, MONDO:0100216.
Hereditary cancer-predisposing syndrome. Also called: Tumor predisposition; Neoplastic Syndromes, Hereditary; Hereditary Cancer Syndrome; Hereditary neoplastic syndrome. Identifiers: Orphanet 140162, MedGen C0027672, MeSH D009386, MONDO:0015356.

Allele frequency attached by ClinVar (database versions not stated): TOPMed below 0.00001.

Submissions (3):

Ambry Genetics
Classification: Uncertain significance for Hereditary cancer-predisposing syndrome. Last evaluated: 2025-07-02. Review status: criteria provided, single submitter. Criteria: Ambry Variant Classification Scheme 2023. Collection method: clinical testing. Allele origin: germline.
Comment: The p.M684I variant (also known as c.2052G>A), located in coding exon 12 of the DICER1 gene, results from a G to A substitution at nucleotide position 2052. The methionine at codon 684 is replaced by isoleucine, an amino acid with highly similar properties. This amino acid position is highly conserved in available vertebrate species. In addition, the in silico prediction for this alteration is inconclusive. Based on the available evidence, the clinical significance of this variant remains unclear.

Labcorp Genetics (formerly Invitae), Labcorp
Classification: Uncertain significance for DICER1-related tumor predisposition. Last evaluated: 2025-02-09. Review status: criteria provided, single submitter. Criteria: Invitae Variant Classification Sherloc (09022015). Collection method: clinical testing. Allele origin: germline.
Comment: This sequence change replaces methionine, which is neutral and non-polar, with isoleucine, which is neutral and non-polar, at codon 684 of the DICER1 protein (p.Met684Ile). This variant is not present in population databases (gnomAD no frequency). This variant has not been reported in the literature in individuals affected with DICER1-related conditions. ClinVar contains an entry for this variant (Variation ID: 1785093). Invitae Evidence Modeling of protein sequence and biophysical properties (such as structural, functional, and spatial information, amino acid conservation, physicochemical variation, residue mobility, and thermodynamic stability) has been performed for this missense variant. However, the output from this modeling did not meet the statistical confidence thresholds required to predict the impact of this variant on DICER1 protein function. In summary, the available evidence is currently insufficient to determine the role of this variant in disease. Therefore, it has been classified as a Variant of Uncertain Significance.

Baylor Genetics
Classification: Uncertain significance for Global developmental delay - lung cysts - overgrowth - Wilms tumor syndrome. Last evaluated: 2024-01-16. Review status: criteria provided, single submitter. Criteria: ACMG Guidelines, 2015. Collection method: clinical testing. Allele origin: unknown.

NM_177438.3(DICER1):c.2052G>A (p.Met684Ile)

Gene: DICER1 (dicer 1, ribonuclease III; minus strand). Cytogenetic location: 14q32.13.
Variant type: single nucleotide variant.
Coding change: c.2052G>A on transcript NM_177438.3 (MANE Select); coding-DNA position 2052, G replaced by A.
Protein change: p.Met684Ile; replaces methionine 684 with isoleucine.
Molecular consequence: missense variant. On other transcripts: non-coding transcript variant (6).
Genome position (GRCh38, 1-based): chr14:95,112,236, C>T on the plus strand (G>A on the coding strand, the complement: DICER1 is on the minus strand). VCF-style: chr14-95112236-C-T. GRCh37 (hg19) VCF-style: chr14-95578573-C-T.
Other names: c.2052G>A, p.Met684Ile (NM_001195573.1, NM_001271282.3, NM_001291628.2 and 13 more transcripts); c.1770G>A, p.Met590Ile (NM_001395686.1); c.1647G>A, p.Met549Ile (NM_001395687.1, NM_001395688.1, NM_001395689.1 and 3 more transcripts); c.1485G>A, p.Met495Ile (NM_001395691.1); c.369G>A, p.Met123Ile (NM_001395697.1); short protein forms M123I, M495I, M590I, M684I, M549I.
Identifiers: ClinVar variation 1785093 (VCV001785093.8), dbSNP rs1892038712, ClinGen allele CA390883125.